The following is an entry in ClinVar:

ClinVar aggregate classification (germline): Uncertain significance (1 of 4 stars; one submission).

Allele frequency attached by ClinVar (database versions not stated): gnomAD exomes below 0.00001; TOPMed below 0.00001; gnomAD 0.00001.
gnomAD v4.1: 4 of 1,180,816 alleles (0.00034%); highest among the groups gnomAD compares: Non-Finnish European, 0.00044%; no homozygotes.

Submission:

Labcorp Genetics (formerly Invitae), Labcorp
Classification: Uncertain significance. Last evaluated: 2022-01-17. Review status: criteria provided, single submitter. Criteria: Invitae Variant Classification Sherloc (09022015). Collection method: clinical testing. Allele origin: germline.
Comment: This sequence change affects an acceptor splice site in intron 4 of the SUGCT gene. It is expected to disrupt RNA splicing. Variants that disrupt the donor or acceptor splice site typically lead to a loss of protein function (PMID: 16199547), however the current clinical and genetic evidence is not sufficient to establish whether loss-of-function variants in SUGCT cause disease. This variant is present in population databases (no rsID available, gnomAD 0.007%). This variant has not been reported in the literature in individuals affected with SUGCT-related conditions. Algorithms developed to predict the effect of sequence changes on RNA splicing suggest that this variant may disrupt the consensus splice site. In summary, the available evidence is currently insufficient to determine the role of this variant in disease. Therefore, it has been classified as a Variant of Uncertain Significance.

Literature cited by the submitters: PubMed 16199547.

NM_001193313.2(SUGCT):c.313-2A>G

Gene: SUGCT (succinyl-CoA:glutarate-CoA transferase; plus strand). Cytogenetic location: 7p14.1.
Variant type: single nucleotide variant.
Coding change: c.313-2A>G on transcript NM_001193313.2 (MANE Select); the canonical splice acceptor site of the intron before coding-DNA position 313, A replaced by G.
Molecular consequence: splice acceptor variant.
Genome position (GRCh38, 1-based): chr7:40,189,542, A>G. VCF-style: chr7-40189542-A-G. GRCh37 (hg19) VCF-style: chr7-40229141-A-G.
Other names: c.313-2A>G (NM_001193311.2, NM_001193312.2, NM_024728.3).
Identifiers: ClinVar variation 1976276 (VCV001976276.2), dbSNP rs1322360615, ClinGen allele CA367312073.